The following is an entry in ClinVar:

ClinVar aggregate classification (germline): Likely benign. Review status: criteria provided, multiple submitters, no conflicts (2 of 4 stars). 3 submissions from 3 submitters: Likely benign (3). Last evaluated 2026-01-01.

Conditions:
Episodic ataxia type 2 (EA2). Also called: CEREBELLOPATHY, HEREDITARY PAROXYSMAL; ACETAZOLAMIDE-RESPONSIVE HEREDITARY PAROXYSMAL CEREBELLAR ATAXIA; ATAXIA, EPISODIC, WITH NYSTAGMUS; ATAXIA, FAMILIAL PAROXYSMAL; CEREBELLAR ATAXIA, PAROXYSMAL, ACETAZOLAMIDE-RESPONSIVE; EPISODIC ATAXIA, NYSTAGMUS-ASSOCIATED. Identifiers: Orphanet 97, MedGen C1720416, MONDO:0007163, OMIM 108500.
Developmental and epileptic encephalopathy, 42 (DEE42A). Also called: DEVELOPMENTAL AND EPILEPTIC ENCEPHALOPATHY 42A; EPILEPTIC ENCEPHALOPATHY, EARLY INFANTILE, 42A; Epileptic encephalopathy, early infantile, 42. Identifiers: MedGen C4310716, MONDO:0014917, OMIM 617106.

Allele frequency attached by ClinVar (database versions not stated): gnomAD 0.00001 and 0.00002; TOPMed 0.00001; gnomAD exomes 0.00003; 1000 Genomes Project 30x 0.00016.
gnomAD v4.1: 44 of 1,537,036 alleles (0.0029%); highest among the groups gnomAD compares: East Asian, 0.032%; no homozygotes.

Submissions (3):

CeGaT Center for Human Genetics Tuebingen
Classification: Likely benign. Last evaluated: 2026-01-01. Review status: criteria provided, single submitter. Criteria: CeGaT Center For Human Genetics Tuebingen Variant Classification Criteria Version 2. Collection method: clinical testing. Allele origin: germline. Affected: yes. Observed: 1 variant allele.
Comment: CACNA1A: BP4

Labcorp Genetics (formerly Invitae), Labcorp
Classification: Likely benign for Developmental and epileptic encephalopathy, 42; Episodic ataxia type 2. Last evaluated: 2025-03-11. Review status: criteria provided, single submitter. Criteria: Invitae Variant Classification Sherloc (09022015). Collection method: clinical testing. Allele origin: germline.

Blueprint Genetics
Classification: Likely benign. Last evaluated: 2024-06-05. Review status: criteria provided, single submitter. Criteria: ACMG Guidelines, 2015. Collection method: clinical testing. Allele origin: germline.

NM_001127222.2(CACNA1A):c.6527-8C>T

Gene: CACNA1A (calcium voltage-gated channel subunit alpha1 A; minus strand). Cytogenetic location: 19p13.13.
Variant type: single nucleotide variant.
Coding change: c.6527-8C>T on transcript NM_001127222.2 (MANE Select); 8 bases into the intron before coding-DNA position 6527, C replaced by T.
Molecular consequence: intron variant.
Genome position (GRCh38, 1-based): chr19:13,209,017, G>A on the plus strand (C>T on the coding strand, the complement: CACNA1A is on the minus strand). VCF-style: chr19-13209017-G-A. GRCh37 (hg19) VCF-style: chr19-13319831-G-A.
Other names: c.6530-8C>T (NM_001127221.2); c.6536-8C>T (NM_001174080.2); c.6545-8C>T (NM_000068.4, NM_023035.3).
Identifiers: ClinVar variation 1081325 (VCV001081325.14), dbSNP rs1265326582, ClinGen allele CA632122916.
Genomic context (GRCh38, chr19:13,209,017, plus strand): 5'-CTTCGACGGCAGGTCCCCGGATTGGGTGGTCATGCTCAGGTCTGTCCCCAAGCCTGGGCC[G>A]GGTGAGGGTCAGACAGACACACAGGTGGTCGTGAGGGAGAGGTGGGGCAGATGCACACAC-3'